The following is an entry in ClinVar:

NM_016362.5(GHRL):c.-787C>T

Genes: GHRLOS (ghrelin opposite strand/antisense RNA; plus strand), GHRL (ghrelin and obestatin prepropeptide; minus strand), LOC121009639 (Sharpr-MPRA regulatory region 4342; plus strand). Cytogenetic location: 3p25.3.
Variant type: single nucleotide variant.
Coding change: c.-787C>T on transcript NM_016362.5 (MANE Select); 787 bases upstream of the start codon, C replaced by T.
Molecular consequence: 5 prime UTR variant. On other transcripts: non-coding transcript variant (7), synonymous variant (3).
Genome position (GRCh38, 1-based): chr3:10,292,863, G>A on the plus strand (C>T on the coding strand, the complement: GHRL is on the minus strand). VCF-style: chr3-10292863-G-A. GRCh37 (hg19) VCF-style: chr3-10334547-G-A.
Other names: c.-787C>T (NM_001134941.3); c.51C>T, p.Pro17= (NM_001134944.2, NM_001134945.2, NM_001134946.2); c.-538C>T (NM_001302821.2); c.-326C>T (NM_001302822.2, NM_001302823.2); c.-248C>T (NM_001302824.2); c.-51C>T (NM_001302825.2).
Identifiers: ClinVar variation 3257263 (VCV003257263.17).

ClinVar aggregate classification (germline): Likely benign (1 of 4 stars; one submission).

Submission:

CeGaT Center for Human Genetics Tuebingen
Classification: Likely benign. Last evaluated: 2024-07-01. Review status: criteria provided, single submitter. Criteria: CeGaT Center For Human Genetics Tuebingen Variant Classification Criteria Version 2. Collection method: clinical testing. Allele origin: germline. Affected: yes. Observed: 1 variant allele.
Comment: GHRL: BP4, BP7